The following is an entry in ClinVar:

NM_003701.4(TNFSF11):c.937G>A (p.Val313Ile)

Gene: TNFSF11 (TNF superfamily member 11; plus strand). Cytogenetic location: 13q14.11.
Variant type: single nucleotide variant.
Coding change: c.937G>A on transcript NM_003701.4 (MANE Select); coding-DNA position 937, G replaced by A.
Protein change: p.Val313Ile; replaces valine 313 with isoleucine.
Molecular consequence: missense variant.
Genome position (GRCh38, 1-based): chr13:42,606,901, G>A. VCF-style: chr13-42606901-G-A. GRCh37 (hg19) VCF-style: chr13-43181037-G-A.
Other names: c.718G>A, p.Val240Ile (NM_033012.4); short protein forms V240I, V313I.
Identifiers: ClinVar variation 281321 (VCV000281321.9), dbSNP rs753163145, ClinGen allele CA6967324.

ClinVar aggregate classification (germline): Uncertain significance. Review status: criteria provided, multiple submitters, no conflicts (2 of 4 stars). 2 submissions from 2 submitters: Uncertain significance (2). Last evaluated 2025-01-07.

Submissions (2):

Labcorp Genetics (formerly Invitae), Labcorp
Classification: Uncertain significance. Last evaluated: 2025-01-07. Review status: criteria provided, single submitter. Criteria: Invitae Variant Classification Sherloc (09022015). Collection method: clinical testing. Allele origin: germline.
Comment: This sequence change replaces valine, which is neutral and non-polar, with isoleucine, which is neutral and non-polar, at codon 313 of the TNFSF11 protein (p.Val313Ile). This variant is present in population databases (rs753163145, gnomAD 0.0009%). This variant has not been reported in the literature in individuals affected with TNFSF11-related conditions. ClinVar contains an entry for this variant (Variation ID: 281321). Invitae Evidence Modeling of protein sequence and biophysical properties (such as structural, functional, and spatial information, amino acid conservation, physicochemical variation, residue mobility, and thermodynamic stability) indicates that this missense variant is not expected to disrupt TNFSF11 protein function with a negative predictive value of 80%. In summary, the available evidence is currently insufficient to determine the role of this variant in disease. Therefore, it has been classified as a Variant of Uncertain Significance.

Eurofins Ntd Llc (ga)
Classification: Uncertain significance. Last evaluated: 2015-06-11. Review status: criteria provided, single submitter. Criteria: EGL Classification Definitions 2015. Collection method: clinical testing. Allele origin: germline. Observed: 1 variant allele, 1 heterozygote.